The following is an entry in ClinVar:

ClinVar aggregate classification (germline): Pathogenic. Review status: criteria provided, multiple submitters, no conflicts (2 of 4 stars). 2 submissions from 2 submitters: Pathogenic (2). Last evaluated 2021-10-30.

Conditions:
Niemann-Pick disease, type C1. Also called: NIEMANN-PICK DISEASE, VARIANT TYPE C1; NEUROVISCERAL STORAGE DISEASE WITH VERTICAL SUPRANUCLEAR OPHTHALMOPLEGIA; NIEMANN-PICK DISEASE WITH CHOLESTEROL ESTERIFICATION BLOCK; NIEMANN-PICK DISEASE WITHOUT SPHINGOMYELINASE DEFICIENCY; NIEMANN-PICK DISEASE, CHRONIC NEURONOPATHIC FORM. Identifiers: Orphanet 646, MedGen C3179455, MONDO:0009757, OMIM 257220.

Allele frequency attached by ClinVar (database versions not stated): gnomAD exomes below 0.00001.

Submissions (2):

Labcorp Genetics (formerly Invitae), Labcorp
Classification: Pathogenic for Niemann-Pick disease, type C1. Last evaluated: 2021-10-30. Review status: criteria provided, single submitter. Criteria: Invitae Variant Classification Sherloc (09022015). Collection method: clinical testing. Allele origin: germline.
Comment: This sequence change creates a premature translational stop signal (p.Thr1205Asnfs*53) in the NPC1 gene. While this is not anticipated to result in nonsense mediated decay, it is expected to disrupt the last 74 amino acid(s) of the NPC1 protein. For these reasons, this variant has been classified as Pathogenic. This variant disrupts the p.Val1212 amino acid residue in NPC1. Other variant(s) that disrupt this residue have been determined to be pathogenic (PMID: 15774455, 22326530, 22476655). This suggests that this residue is clinically significant, and that variants that disrupt this residue are likely to be disease-causing. ClinVar contains an entry for this variant (Variation ID: 280069). This premature translational stop signal has been observed in individual(s) with Niemann-Pick Type C (PMID: 19252935, 22676771). This variant is not present in population databases (gnomAD no frequency).

GeneDx
Classification: Pathogenic. Last evaluated: 2016-01-28. Review status: criteria provided, single submitter. Criteria: GeneDx Variant Classification (06012015). Collection method: clinical testing. Allele origin: germline. Affected: yes.
Comment: The c.3613dupA variant causes a frameshift starting with codon Threonine 1205, changes this amino acid to an Asparagine residue, and creates a premature Stop codon at position 53 of the new reading frame, denoted p.Thr1205AsnfsX53. This variant is predicted to cause loss of normal protein function through protein truncation. The c.3613dupA variant was not observed in approximately 6500 individuals of European and African American ancestry in the NHLBI Exome Sequencing Project, indicating it is not a common benign variant in these populations. We interpret c.3613dupA as a pathogenic variant.

Literature cited by the submitters: PubMed 15774455 (cited by Labcorp Genetics (formerly Invitae), Labcorp); PubMed 22326530 (cited by Labcorp Genetics (formerly Invitae), Labcorp); PubMed 22476655 (cited by Labcorp Genetics (formerly Invitae), Labcorp); PubMed 19252935 (cited by Labcorp Genetics (formerly Invitae), Labcorp); PubMed 22676771 (cited by Labcorp Genetics (formerly Invitae), Labcorp).

NM_000271.5(NPC1):c.3613dup (p.Thr1205fs)

Gene: NPC1 (NPC intracellular cholesterol transporter 1; minus strand). Cytogenetic location: 18q11.2.
Variant type: Duplication.
Coding change: c.3613dup on transcript NM_000271.5 (MANE Select); coding-DNA position 3613, one base duplicated (A; older notation c.3613dupA).
Protein change: p.Thr1205fs; shifts the reading frame from threonine 1205.
Molecular consequence: frameshift variant.
Genome position (GRCh38, 1-based): chr18:23,533,496, T duplicated on the plus strand (A on the coding strand, the reverse complement: NPC1 is on the minus strand). VCF-style (leftmost placement, unchanged base first): chr18-23533495-G-GT. GRCh37 (hg19) VCF-style: chr18-21113459-G-GT.
Other names: short protein forms T1205fs.
Identifiers: ClinVar variation 280069 (VCV000280069.8), dbSNP rs886041356, ClinGen allele CA10603328.